The following is an entry in ClinVar:

NM_000238.4(KCNH2):c.1513del (p.Ala505fs)

Gene: KCNH2 (potassium voltage-gated channel subfamily H member 2; minus strand). Cytogenetic location: 7q36.1.
Variant type: Deletion.
Coding change: c.1513del on transcript NM_000238.4 (MANE Select); coding-DNA position 1513, one base deleted (G; older notation c.1513delG).
Protein change: p.Ala505fs; shifts the reading frame from alanine 505.
Molecular consequence: frameshift variant.
Genome position (GRCh38, 1-based): chr7:150,952,469, C deleted on the plus strand (G on the coding strand, the reverse complement: KCNH2 is on the minus strand). VCF-style (leftmost placement, unchanged base first): chr7-150952468-GC-G. GRCh37 (hg19) VCF-style: chr7-150649556-GC-G.
Other names: c.493del, p.Ala165fs (NM_001204798.2, NM_172057.3); c.1225delG, p.Ala409Profs (NM_001406753.1, NM_001406756.1); c.1336delG, p.Ala446Profs (NM_001406755.1); c.1213delG, p.Ala405Profs (NM_001406757.1); c.1513delG, p.Ala505Profs (NM_172056.3); short protein forms A505fs, A165fs.
Identifiers: ClinVar variation 419379 (VCV000419379.9), dbSNP rs1064793832, ClinGen allele CA16618411.

ClinVar aggregate classification (germline): Pathogenic. Review status: criteria provided, multiple submitters, no conflicts (2 of 4 stars). 2 submissions from 2 submitters: Pathogenic (2). Last evaluated 2024-09-19.

Conditions:
Long QT syndrome (LQTS). Identifiers: MedGen C0023976, MeSH D008133, MONDO:0002442. Disease mechanism: loss of function. Inheritance: Various modes of inheritance.

Submissions (2):

Labcorp Genetics (formerly Invitae), Labcorp
Classification: Pathogenic for Long QT syndrome. Last evaluated: 2024-09-19. Review status: criteria provided, single submitter. Criteria: Invitae Variant Classification Sherloc (09022015). Collection method: clinical testing. Allele origin: germline.
Comment: This sequence change creates a premature translational stop signal (p.Ala505Profs*16) in the KCNH2 gene. It is expected to result in an absent or disrupted protein product. Loss-of-function variants in KCNH2 are known to be pathogenic (PMID: 10973849, 19862833). This variant is not present in population databases (gnomAD no frequency). This variant has not been reported in the literature in individuals affected with KCNH2-related conditions. ClinVar contains an entry for this variant (Variation ID: 419379). For these reasons, this variant has been classified as Pathogenic.

GeneDx
Classification: Pathogenic. Last evaluated: 2015-06-30. Review status: criteria provided, single submitter. Criteria: GeneDx Variant Classification (06012015). Collection method: clinical testing. Allele origin: germline. Affected: yes.
Comment: Although the c.1513delG deletion in the KCNH2 gene has not been reported to our knowledge, this variantcauses a shift in reading frame starting at codon Alanine 505, changing it to a Proline, and creating apremature stop codon at position 16 of the new reading frame, denoted p.A505PfxX16. This deletion isexpected to result in either an abnormal, truncated protein product or loss of protein from this allele throughnonsense-mediated mRNA decay. Many other frameshift variants in the KCNH2 gene have been reported inHGMD in association with LQTS (Stenson P et al., 2014). Furthermore, the c.1513delG deletion was notobserved in approximately 6,500 individuals of European and African American ancestry in the NHLBI ExomeSequencing Project, indicating it is not a common benign variant in these populations.In summary, c.1513delG in the KCNH2 gene is interpreted as a pathogenic variant.

Literature cited by the submitters: PubMed 10973849 (cited by Labcorp Genetics (formerly Invitae), Labcorp); PubMed 19862833 (cited by Labcorp Genetics (formerly Invitae), Labcorp).